The following is an entry in ClinVar:

NM_000545.8(HNF1A):c.259A>T (p.Lys87Ter)

Gene: HNF1A (HNF1 homeobox A; plus strand). Cytogenetic location: 12q24.31.
Variant type: single nucleotide variant.
Coding change: c.259A>T on transcript NM_000545.8 (MANE Select); coding-DNA position 259, A replaced by T.
Protein change: p.Lys87Ter; replaces lysine 87 with a stop codon.
Molecular consequence: nonsense.
Genome position (GRCh38, 1-based): chr12:120,979,027, A>T. VCF-style: chr12-120979027-A-T. GRCh37 (hg19) VCF-style: chr12-121416830-A-T.
Other names: NM_001306179.2:c.259A>T; c.259A>T, p.Lys87Ter (NM_001306179.2); short protein forms K87*.
Identifiers: ClinVar variation 1676695 (VCV001676695.4), dbSNP rs2135820197, ClinGen allele CA386954172.

ClinVar aggregate classification (germline): Likely pathogenic (3 of 4 stars; one submission).

Conditions:
Monogenic diabetes. Identifiers: Orphanet 183625, MedGen C3888631, MONDO:0015967.

Submission:

ClinGen Monogenic Diabetes Variant Curation Expert Panel
Classification: Likely pathogenic for Monogenic diabetes. Last evaluated: 2025-06-09. Review status: reviewed by expert panel. Criteria: ClinGen Diabetes ACMG Specifications HNF1A V2.1.0. Collection method: curation. Allele origin: germline. Inheritance: Autosomal dominant inheritance.
Comment: The c.259A>T variant in the HNF1 homeobox A gene, HNF1A, results in a premature termination at codon 87 (p.(Lys87Ter)) of NM_000545.8. This variant, located in biologically-relevant exon 1 of 10, is predicted to lead to nonsense mediated decay in a gene in which loss-of-function is an established disease mechanism (PVS1; PMID: 23348805). Additionally, this variant is absent from gnomAD v2.1.1 and v4.1.0 (PM2_Supporting). In summary, c.259A>T meets the criteria to be classified as likely pathogenic for monogenic diabetes. ACMG/AMP criteria applied, as specified by the ClinGen MDEP (specification version 2.1.0, approved 8/11/23): PVS1, PM2_Supporting.

Literature cited by the submitters: PubMed 23348805.